The following is an entry in ClinVar:

ClinVar aggregate classification (germline): Uncertain significance (1 of 4 stars; one submission).

Conditions:
Hereditary cancer-predisposing syndrome. Also called: Neoplastic Syndromes, Hereditary; Tumor predisposition; Hereditary Cancer Syndrome; Hereditary neoplastic syndrome. Identifiers: Orphanet 140162, MedGen C0027672, MeSH D009386, MONDO:0015356.

Submission:

Ambry Genetics
Classification: Uncertain significance for Hereditary cancer-predisposing syndrome. Last evaluated: 2020-08-20. Review status: criteria provided, single submitter. Criteria: Ambry Variant Classification Scheme 2023. Collection method: clinical testing. Allele origin: germline.
Comment: The p.S751P variant (also known as c.2251T>C), located in coding exon 14 of the ATM gene, results from a T to C substitution at nucleotide position 2251. This variant impacts the first base pair of coding exon 14. The serine at codon 751 is replaced by proline, an amino acid with similar properties. This amino acid position is highly conserved in available vertebrate species. In addition, this alteration is predicted to be deleterious by in silico analysis. Since supporting evidence is limited at this time, the clinical significance of this alteration remains unclear.

NM_000051.4(ATM):c.2251T>C (p.Ser751Pro)

Gene: ATM (ATM serine/threonine kinase; plus strand). Cytogenetic location: 11q22.3.
Variant type: single nucleotide variant.
Coding change: c.2251T>C on transcript NM_000051.4 (MANE Select); coding-DNA position 2251, T replaced by C.
Protein change: p.Ser751Pro; replaces serine 751 with proline.
Molecular consequence: missense variant.
Genome position (GRCh38, 1-based): chr11:108,257,481, T>C. VCF-style: chr11-108257481-T-C. GRCh37 (hg19) VCF-style: chr11-108128208-T-C.
Other names: c.2251T>C, p.Ser751Pro (NM_001351834.2); short protein forms S751P.
Identifiers: ClinVar variation 1788447 (VCV001788447.2), dbSNP rs1064793558, ClinGen allele CA382539497.
Genomic context (GRCh38, chr11:108,257,481, plus strand): 5'-AAAGCAATACTAAACTATAATTTTAACTGGAATTTGCATTTTTCCTTCTATTCACAATAG[T>C]CTCTAATGCAATGTGCAGGAGAAAGTATCACTCTGTTTAAAAATAAGACAAATGAGGAAT-3'
Protein context (NP_000042.3, residues 741-761): YKSELFQKAK[Ser751Pro]LMQCAGESIT